The following is an entry in ClinVar:

NM_002485.5(NBN):c.1285T>G (p.Tyr429Asp)

Gene: NBN (nibrin; minus strand). Cytogenetic location: 8q21.3.
Variant type: single nucleotide variant.
Coding change: c.1285T>G on transcript NM_002485.5 (MANE Select); coding-DNA position 1285, T replaced by G.
Protein change: p.Tyr429Asp; replaces tyrosine 429 with aspartic acid.
Molecular consequence: missense variant.
Genome position (GRCh38, 1-based): chr8:89,955,395, A>C on the plus strand (T>G on the coding strand, the complement: NBN is on the minus strand). VCF-style: chr8-89955395-A-C. GRCh37 (hg19) VCF-style: chr8-90967623-A-C.
Other names: c.1039T>G, p.Tyr347Asp (NM_001024688.3); short protein forms Y429D, Y347D.
Identifiers: ClinVar variation 142365 (VCV000142365.19), dbSNP rs587782409, ClinGen allele CA168168.
Genomic context (GRCh38, chr8:89,955,395, plus strand): 5'-GCTGAGAAGCCCTATCTTTACTTTTATTTATACTTGGCAATTTAGTTGGTGAAAGCTGAT[A>C]GTTTGGGATTCTCATCTTAGCCAAAGTATTTGATACCATACTATTATTATTAGAGCTTGT-3'
Protein context (NP_002476.2, residues 419-439): NTLAKMRIPN[Tyr429Asp]QLSPTKLPSI

ClinVar aggregate classification (germline): Uncertain significance. Review status: criteria provided, multiple submitters, no conflicts (2 of 4 stars). 4 submissions from 4 submitters: Uncertain significance (4). Last evaluated 2025-02-02.

Conditions:
Hereditary cancer-predisposing syndrome. Also called: Neoplastic Syndromes, Hereditary; Hereditary Cancer Syndrome; Hereditary neoplastic syndrome; Tumor predisposition. Identifiers: Orphanet 140162, MedGen C0027672, MeSH D009386, MONDO:0015356.
Microcephaly, normal intelligence and immunodeficiency (NBS). Also called: Immunodeficiency, microcephaly with normal intelligence; SEEMANOVA SYNDROME II; Nijmegen breakage syndrome; Microcephaly with normal intelligence immunodeficiency and lymphoreticular malignancies; Nonsyndromal microcephaly autosomal recessive with normal intelligence; Seemanova syndrome 2. Identifiers: Orphanet 647, MedGen C0398791, MONDO:0009623, OMIM 251260.

Allele frequency attached by ClinVar (database versions not stated): gnomAD 0.00001; TOPMed 0.00001.
gnomAD v4.1: 1 of 1,613,710 alleles (0.000062%); highest among the groups gnomAD compares: African/African-American, 0.0013%; no homozygotes.

Submissions (4):

Ambry Genetics
Classification: Uncertain significance for Hereditary cancer-predisposing syndrome. Last evaluated: 2025-02-02. Review status: criteria provided, single submitter. Criteria: Ambry Variant Classification Scheme 2023. Collection method: clinical testing. Allele origin: germline.
Comment: The p.Y429D variant (also known as c.1285T>G), located in coding exon 10 of the NBN gene, results from a T to G substitution at nucleotide position 1285. The tyrosine at codon 429 is replaced by aspartic acid, an amino acid with highly dissimilar properties. This amino acid position is not well conserved in available vertebrate species. In addition, this alteration is predicted to be tolerated by in silico analysis. Since supporting evidence is limited at this time, the clinical significance of this alteration remains unclear.

Labcorp Genetics (formerly Invitae), Labcorp
Classification: Uncertain significance for Microcephaly, normal intelligence and immunodeficiency. Last evaluated: 2024-05-22. Review status: criteria provided, single submitter. Criteria: Invitae Variant Classification Sherloc (09022015). Collection method: clinical testing. Allele origin: germline.
Comment: This sequence change replaces tyrosine, which is neutral and polar, with aspartic acid, which is acidic and polar, at codon 429 of the NBN protein (p.Tyr429Asp). This variant is not present in population databases (gnomAD no frequency). This variant has not been reported in the literature in individuals affected with NBN-related conditions. ClinVar contains an entry for this variant (Variation ID: 142365). An algorithm developed to predict the effect of missense changes on protein structure and function (PolyPhen-2) suggests that this variant is likely to be tolerated. In summary, the available evidence is currently insufficient to determine the role of this variant in disease. Therefore, it has been classified as a Variant of Uncertain Significance.

Genome-Nilou Lab
Classification: Uncertain significance for Microcephaly, normal intelligence and immunodeficiency. Last evaluated: 2021-11-07. Review status: criteria provided, single submitter. Criteria: ACMG Guidelines, 2015. Collection method: clinical testing. Allele origin: germline. Affected: no.

Eurofins Ntd Llc (ga)
Classification: Uncertain significance. Last evaluated: 2015-03-27. Review status: criteria provided, single submitter. Criteria: EGL Classification Definitions 2015. Collection method: clinical testing. Allele origin: germline. Observed: 1 variant allele, 1 heterozygote.